The following is an entry in ClinVar:

NM_001367561.1(DOCK7):c.1502G>A (p.Arg501Gln)

Gene: DOCK7 (dedicator of cytokinesis 7; minus strand). Cytogenetic location: 1p31.3.
Variant type: single nucleotide variant.
Coding change: c.1502G>A on transcript NM_001367561.1 (MANE Select); coding-DNA position 1502, G replaced by A.
Protein change: p.Arg501Gln; replaces arginine 501 with glutamine.
Molecular consequence: missense variant.
Genome position (GRCh38, 1-based): chr1:62,619,917, C>T on the plus strand (G>A on the coding strand, the complement: DOCK7 is on the minus strand). VCF-style: chr1-62619917-C-T. GRCh37 (hg19) VCF-style: chr1-63085588-C-T.
Other names: c.1502G>A, p.Arg501Gln (NM_001271999.2, NM_001272000.2, NM_001272001.2 and 3 more transcripts); short protein forms R501Q.
Identifiers: ClinVar variation 3026921 (VCV003026921.22), dbSNP rs920931636, ClinGen allele CA23768806.

ClinVar aggregate classification (germline): Uncertain significance (1 of 4 stars; one submission).

Allele frequency attached by ClinVar (database versions not stated): gnomAD exomes below 0.00001.
gnomAD v4.1: 4 of 1,611,452 alleles (0.00025%); highest among the groups gnomAD compares: East Asian, 0.0022%; no homozygotes.

Submission:

CeGaT Center for Human Genetics Tuebingen
Classification: Uncertain significance. Last evaluated: 2023-12-01. Review status: criteria provided, single submitter. Criteria: CeGaT Center For Human Genetics Tuebingen Variant Classification Criteria Version 2. Collection method: clinical testing. Allele origin: germline. Affected: yes. Observed: 1 variant allele.
Comment: DOCK7: PM2, PP3